The following is an entry in ClinVar:

ClinVar aggregate classification (germline): Uncertain significance (1 of 4 stars; one submission).

Conditions:
Inborn genetic diseases. Identifiers: MedGen C0950123, MeSH D030342.

Submission:

Ambry Genetics
Classification: Uncertain significance for Inborn genetic diseases. Last evaluated: 2020-01-17. Review status: criteria provided, single submitter. Criteria: Ambry Variant Classification Scheme 2023. Collection method: clinical testing. Allele origin: germline.
Comment: The p.M420V variant (also known as c.1258A>G), located in coding exon 14 of the SPTLC1 gene, results from an A to G substitution at nucleotide position 1258. The methionine at codon 420 is replaced by valine, an amino acid with highly similar properties. This amino acid position is highly conserved in available vertebrate species. In addition, the in silico prediction for this alteration is inconclusive. Since supporting evidence is limited at this time, the clinical significance of this alteration remains unclear.

NM_006415.4(SPTLC1):c.1258A>G (p.Met420Val)

Gene: SPTLC1 (serine palmitoyltransferase long chain base subunit 1; minus strand). Cytogenetic location: 9q22.31.
Variant type: single nucleotide variant.
Coding change: c.1258A>G on transcript NM_006415.4 (MANE Select); coding-DNA position 1258, A replaced by G.
Protein change: p.Met420Val; replaces methionine 420 with valine.
Molecular consequence: missense variant.
Genome position (GRCh38, 1-based): chr9:92,034,880, T>C on the plus strand (A>G on the coding strand, the complement: SPTLC1 is on the minus strand). VCF-style: chr9-92034880-T-C. GRCh37 (hg19) VCF-style: chr9-94797162-T-C.
Other names: c.1258A>G, p.Met420Val (NM_001281303.2); c.892A>G, p.Met298Val (NM_001368272.1); c.793A>G, p.Met265Val (NM_001368273.1); short protein forms M298V, M420V, M265V.
Identifiers: ClinVar variation 1762279 (VCV001762279.2), dbSNP rs2538368335, ClinGen allele CA373789895.